The following is an entry in ClinVar:

ClinVar aggregate classification (germline): Uncertain significance. Review status: criteria provided, multiple submitters, no conflicts (2 of 4 stars). 2 submissions from 2 submitters: Uncertain significance (2). Last evaluated 2026-01-16.

Conditions:
Fanconi anemia (FA). Also called: Fanconi's anemia. Identifiers: Orphanet 84, MedGen C0015625, MeSH D005199, MONDO:0019391.
Inborn genetic diseases. Identifiers: MedGen C0950123, MeSH D030342.

gnomAD v4.1: 1 of 1,611,854 alleles (0.000062%); highest among the groups gnomAD compares: Non-Finnish European, 0.000085%; no homozygotes.

Submissions (2):

Labcorp Genetics (formerly Invitae), Labcorp
Classification: Uncertain significance for Fanconi anemia. Last evaluated: 2026-01-16. Review status: criteria provided, single submitter. Criteria: Invitae Variant Classification Sherloc (09022015). Collection method: clinical testing. Allele origin: germline.
Comment: This sequence change replaces tyrosine, which is neutral and polar, with cysteine, which is neutral and slightly polar, at codon 332 of the FANCM protein (p.Tyr332Cys). This variant is not present in population databases (gnomAD no frequency). This variant has not been reported in the literature in individuals affected with FANCM-related conditions. ClinVar contains an entry for this variant (Variation ID: 3848647). An algorithm developed to predict the effect of missense changes on protein structure and function (PolyPhen-2) suggests that this variant is likely to be tolerated. In summary, the available evidence is currently insufficient to determine the role of this variant in disease. Therefore, it has been classified as a Variant of Uncertain Significance.

Ambry Genetics
Classification: Uncertain significance for Inborn genetic diseases. Last evaluated: 2025-01-20. Review status: criteria provided, single submitter. Criteria: Ambry Variant Classification Scheme 2023. Collection method: clinical testing. Allele origin: germline.
Comment: The p.Y332C variant (also known as c.995A>G), located in coding exon 5 of the FANCM gene, results from an A to G substitution at nucleotide position 995. The tyrosine at codon 332 is replaced by cysteine, an amino acid with highly dissimilar properties. This amino acid position is conserved. In addition, the in silico prediction for this alteration is inconclusive. Based on the available evidence, the clinical significance of this variant remains unclear.

NM_020937.4(FANCM):c.995A>G (p.Tyr332Cys)

Gene: FANCM (FA complementation group M; plus strand). Cytogenetic location: 14q21.2.
Variant type: single nucleotide variant.
Coding change: c.995A>G on transcript NM_020937.4 (MANE Select); coding-DNA position 995, A replaced by G.
Protein change: p.Tyr332Cys; replaces tyrosine 332 with cysteine.
Molecular consequence: missense variant.
Genome position (GRCh38, 1-based): chr14:45,151,473, A>G. VCF-style: chr14-45151473-A-G. GRCh37 (hg19) VCF-style: chr14-45620676-A-G.
Other names: c.917A>G, p.Tyr306Cys (NM_001308133.2); c.995A>G, p.Tyr332Cys (NM_001308134.2); short protein forms Y306C, Y332C.
Identifiers: ClinVar variation 3848647 (VCV003848647.2).